The following is an entry in ClinVar:

NM_001035.3(RYR2):c.9519T>C (p.Thr3173=)

Gene: RYR2 (ryanodine receptor 2; plus strand). Cytogenetic location: 1q43.
Variant type: single nucleotide variant.
Coding change: c.9519T>C on transcript NM_001035.3 (MANE Select); coding-DNA position 9519, T replaced by C.
Protein change: p.Thr3173=; no amino-acid change (threonine 3173 retained).
Molecular consequence: synonymous variant.
Genome position (GRCh38, 1-based): chr1:237,705,282, T>C. VCF-style: chr1-237705282-T-C. GRCh37 (hg19) VCF-style: chr1-237868582-T-C.
Other names: p.Thr3173=.
Identifiers: ClinVar variation 43839 (VCV000043839.59), dbSNP rs371931287, ClinGen allele CA011231.

ClinVar aggregate classification (germline): Benign/Likely benign. Review status: criteria provided, multiple submitters, no conflicts (2 of 4 stars). 14 submissions from 14 submitters: Benign (5); Likely benign (6). 3 of the submissions do not count toward it. Last evaluated 2026-09-01.

Conditions:
Cardiovascular phenotype. Identifiers: MedGen CN230736.
Cardiomyopathy (CMYO). Also called: Cardiomyopathies. Identifiers: Orphanet 167848, MedGen C0878544, MONDO:0004994, HP:0001638. Inheritance: Various modes of inheritance.
Catecholaminergic polymorphic ventricular tachycardia 1. Also called: RYR2-Related Catecholaminergic Polymorphic Ventricular Tachycardia; VENTRICULAR TACHYCARDIA, STRESS-INDUCED POLYMORPHIC 1; VENTRICULAR TACHYCARDIA, CATECHOLAMINERGIC POLYMORPHIC, 1, WITH OR WITHOUT ATRIAL DYSFUNCTION AND/OR DILATED CARDIOMYOPATHY. Identifiers: Orphanet 3286, MedGen C1631597, MONDO:0011484, OMIM 604772.
Catecholaminergic polymorphic ventricular tachycardia (CVPT). Also called: Catecholamine-induced polymorphic ventricular tachycardia. Identifiers: Orphanet 3286, MedGen C5574922, MONDO:0017990.

Allele frequency attached by ClinVar (database versions not stated): TOPMed 0.00030; gnomAD 0.00039 and 0.00036; gnomAD exomes 0.00063 and 0.00050; ESP Exome Variant Server 0.00083; ExAC 0.00102.
gnomAD v4.1: 959 of 1,605,280 alleles (0.06%); highest among the groups gnomAD compares: Non-Finnish European, 0.077%; 1 homozygote.

Submissions (14):

CeGaT Center for Human Genetics Tuebingen
Classification: Likely benign. Last evaluated: 2026-09-01. Review status: criteria provided, single submitter. Criteria: CeGaT Center For Human Genetics Tuebingen Variant Classification Criteria Version 2. Collection method: clinical testing. Allele origin: germline. Affected: yes. Observed: 3 variant alleles.
Comment: RYR2: BP4, BP7

Labcorp Genetics (formerly Invitae), Labcorp
Classification: Benign for Catecholaminergic polymorphic ventricular tachycardia 1. Last evaluated: 2026-01-10. Review status: criteria provided, single submitter. Criteria: Invitae Variant Classification Sherloc (09022015). Collection method: clinical testing. Allele origin: germline.

Mayo Clinic Laboratories, Mayo Clinic
Classification: Likely benign. Last evaluated: 2025-01-20. Review status: criteria provided, single submitter. Criteria: ACMG Guidelines, 2015. Collection method: clinical testing. Allele origin: germline. Observed: 1 variant allele.
Comment: BS1, BP4, BP7

Blueprint Genetics
Classification: Likely benign. Last evaluated: 2024-07-24. Review status: criteria provided, single submitter. Criteria: ACMG Guidelines, 2015. Collection method: clinical testing. Allele origin: germline.

All of Us Research Program, National Institutes of Health
Classification: Benign for Catecholaminergic polymorphic ventricular tachycardia. Last evaluated: 2024-02-05. Review status: criteria provided, single submitter. Criteria: ACMG Guidelines, 2015. Collection method: clinical testing. Allele origin: germline. Inheritance: Autosomal dominant inheritance. Observed: 77 variant alleles, 77 heterozygotes.
Comment: This study involves interpretation of variants in research participants for the purpose of population health screening. Participant phenotype was not available at the time of variant classification. Additional details can be found in publication PMID: 35346344, PMCID: PMC8962531

CHEO Genetics Diagnostic Laboratory, Children's Hospital of Eastern Ontario
Classification: Likely benign for Cardiomyopathy. Last evaluated: 2020-07-14. Review status: criteria provided, single submitter. Criteria: ACMG Guidelines, 2015. Collection method: clinical testing. Allele origin: germline. Study: Canadian Open Genetics Repository.

Women's Health and Genetics/Laboratory Corporation of America, LabCorp
Classification: Benign. Last evaluated: 2019-12-23. Review status: criteria provided, single submitter. Criteria: LabCorp Variant Classification Summary - May 2015. Collection method: clinical testing. Allele origin: germline.

Color Diagnostics, LLC DBA Color Health
Classification: Benign for Cardiomyopathy. Last evaluated: 2018-10-16. Review status: criteria provided, single submitter. Criteria: ACMG Guidelines, 2015. Collection method: clinical testing. Allele origin: germline.

Ambry Genetics
Classification: Likely benign for Cardiovascular phenotype. Last evaluated: 2015-10-27. Review status: criteria provided, single submitter. Criteria: Ambry Variant Classification Scheme 2023. Collection method: clinical testing. Allele origin: germline.

GeneDx
Classification: Benign. Last evaluated: 2015-03-03. Review status: criteria provided, single submitter. Criteria: GeneDx Variant Classification Process June 2021. Collection method: clinical testing. Allele origin: germline. Affected: yes.

Laboratory for Molecular Medicine, Mass General Brigham Personalized Medicine
Classification: Likely benign. Last evaluated: 2012-03-19. Review status: criteria provided, single submitter. Criteria: LMM Criteria. Collection method: clinical testing. Allele origin: germline. Observed: 2 variant alleles.
Comment: Thr3173Thr in exon 67 of RYR2: This variant is not expected to have clinical sig nificance because it does not alter an amino acid residue and is not located wit hin the splice consensus sequence. It has been identified in 0.1% (7/6660) of Eu ropean American chromosomes from a broad population by the NHLBI Exome Sequencin g Project. Thr3173Thr in exon 67 of RYR2 (al lele frequency = 0.1%, 7/6660) **

Clinical Genetics, Academic Medical Center
Classification: Benign. Review status: no assertion criteria provided. Collection method: clinical testing. Allele origin: germline. Affected: yes. Study: VKGL Data-share Consensus. Not counted in ClinVar's aggregate classification.

Diagnostic Laboratory, Department of Genetics, University Medical Center Groningen
Classification: Likely benign. Review status: no assertion criteria provided. Collection method: clinical testing. Allele origin: germline. Affected: yes. Study: VKGL Data-share Consensus. Not counted in ClinVar's aggregate classification.

Genome Diagnostics Laboratory, University Medical Center Utrecht
Classification: Likely benign. Review status: no assertion criteria provided. Collection method: clinical testing. Allele origin: germline. Affected: yes. Study: VKGL Data-share Consensus. Not counted in ClinVar's aggregate classification.